The following is an entry in ClinVar:

NM_001003699.4(RREB1):c.241C>T (p.Leu81=)

Gene: RREB1 (ras responsive element binding protein 1; plus strand). Cytogenetic location: 6p24.3.
Variant type: single nucleotide variant.
Coding change: c.241C>T on transcript NM_001003699.4 (MANE Select); coding-DNA position 241, C replaced by T.
Protein change: p.Leu81=; no amino-acid change (leucine 81 retained).
Molecular consequence: synonymous variant.
Genome position (GRCh38, 1-based): chr6:7,187,503, C>T. VCF-style: chr6-7187503-C-T. GRCh37 (hg19) VCF-style: chr6-7187736-C-T.
Other names: c.241C>T, p.Leu81= (NM_001003698.4, NM_001003700.2, NM_001168344.2).
Identifiers: ClinVar variation 4822355 (VCV004822355.4).
Genomic context (GRCh38, chr6:7,187,503, plus strand): 5'-GAGGAGAAGTCTTCCTATAACTGCCCCCTGTGTGAGAAGATTTGCACTACCCAGCACCAG[C>T]TGACCATGCACATTCGCCAGGTAGATTCCCACTGTTCTTTTATTTTATTTTATTTTATTT-3'
Protein context (NP_001003699.1, residues 71-91): CEKICTTQHQ[Leu81=]TMHIRQHNTD

ClinVar aggregate classification (germline): Likely benign (1 of 4 stars; one submission).

gnomAD v4.1: 2 of 1,554,062 alleles (0.00013%); highest among the groups gnomAD compares: Non-Finnish European, 0.000087%; no homozygotes.

Submission:

CeGaT Center for Human Genetics Tuebingen
Classification: Likely benign. Last evaluated: 2026-03-01. Review status: criteria provided, single submitter. Criteria: CeGaT Center For Human Genetics Tuebingen Variant Classification Criteria Version 2. Collection method: clinical testing. Allele origin: germline. Affected: yes. Observed: 1 variant allele.
Comment: RREB1: BP4, BP7